The following is an entry in ClinVar:

ClinVar aggregate classification (germline): Uncertain significance (1 of 4 stars; one submission).

Submission:

GeneDx
Classification: Uncertain significance. Last evaluated: 2024-10-18. Review status: criteria provided, single submitter. Criteria: GeneDx Variant Classification Process June 2021. Collection method: clinical testing. Allele origin: germline. Affected: yes.
Comment: Not observed at significant frequency in large population cohorts (gnomAD); In silico analysis supports that this missense variant has a deleterious effect on protein structure/function; Has not been previously published as pathogenic or benign to our knowledge

NM_020919.4(ALS2):c.2876T>A (p.Leu959Gln)

Gene: ALS2 (alsin Rho guanine nucleotide exchange factor ALS2; minus strand). Cytogenetic location: 2q33.1.
Variant type: single nucleotide variant.
Coding change: c.2876T>A on transcript NM_020919.4 (MANE Select); coding-DNA position 2876, T replaced by A.
Protein change: p.Leu959Gln; replaces leucine 959 with glutamine.
Molecular consequence: missense variant.
Genome position (GRCh38, 1-based): chr2:201,727,741, A>T on the plus strand (T>A on the coding strand, the complement: ALS2 is on the minus strand). VCF-style: chr2-201727741-A-T. GRCh37 (hg19) VCF-style: chr2-202592464-A-T.
Other names: c.2876T>A, p.Leu959Gln (NM_001410975.1); short protein forms L959Q.
Identifiers: ClinVar variation 3781292 (VCV003781292.1).